The following is an entry in ClinVar:

NM_000059.4(BRCA2):c.1909+5C>T

Gene: BRCA2 (BRCA2 DNA repair associated; plus strand). Cytogenetic location: 13q13.1.
Variant type: single nucleotide variant.
Coding change: c.1909+5C>T on transcript NM_000059.4 (MANE Select); 5 bases into the intron after coding-DNA position 1909, C replaced by T.
Molecular consequence: intron variant.
Genome position (GRCh38, 1-based): chr13:32,333,392, C>T. VCF-style: chr13-32333392-C-T. GRCh37 (hg19) VCF-style: chr13-32907529-C-T.
Identifiers: ClinVar variation 409416 (VCV000409416.6), dbSNP rs1060502379, ClinGen allele CA16614237.

ClinVar aggregate classification (germline): Uncertain significance (1 of 4 stars; one submission).

Conditions:
Hereditary breast ovarian cancer syndrome. Also called: Hereditary breast and ovarian cancer; Hereditary breast and/or ovarian cancer syndrome; BRCA1- and BRCA2-Associated Hereditary Breast and Ovarian Cancer; Hereditary breast and ovarian cancer syndrome; Hereditary breast and ovarian cancer syndrome (HBOC); Breast and ovarian cancer. Identifiers: Orphanet 145, MedGen C0677776, MeSH D061325, MONDO:0003582. Disease mechanism: loss of function.

Submission:

Labcorp Genetics (formerly Invitae), Labcorp
Classification: Uncertain significance for Hereditary breast ovarian cancer syndrome. Last evaluated: 2021-09-01. Review status: criteria provided, single submitter. Criteria: Invitae Variant Classification Sherloc (09022015). Collection method: clinical testing. Allele origin: germline.
Comment: This sequence change falls in intron 10 of the BRCA2 gene. It does not directly change the encoded amino acid sequence of the BRCA2 protein. It affects a nucleotide within the consensus splice site of the intron. This variant is not present in population databases (ExAC no frequency). This variant has not been reported in the literature in individuals affected with BRCA2-related conditions. ClinVar contains an entry for this variant (Variation ID: 409416). Variants that disrupt the consensus splice site are a relatively common cause of aberrant splicing (PMID: 17576681, 9536098). Algorithms developed to predict the effect of sequence changes on RNA splicing suggest that this variant is not likely to affect RNA splicing. In summary, the available evidence is currently insufficient to determine the role of this variant in disease. Therefore, it has been classified as a Variant of Uncertain Significance.

Literature cited by the submitters: PubMed 17576681; PubMed 9536098.